The following is an entry in ClinVar:

ClinVar aggregate classification (germline): other (0 of 4 stars; one submission).

Conditions:
Autosomal recessive nonsyndromic hearing loss 4 (DFNB4). Also called: Deafness, autosomal recessive 4; FOXI1-Related Pendred Syndrome; KCNJ10-Related Pendred Syndrome; DEAFNESS, AUTOSOMAL RECESSIVE 4, WITH ENLARGED VESTIBULAR AQUEDUCT, DIGENIC; Deafness, autosomal recessive 4, with enlarged vestibular aqueduct; Enlarged vestibular aqueduct, digenic. Identifiers: Orphanet 90636, MedGen C3538946, MONDO:0010933, OMIM 600791.

Submission:

National Institute of Sensory Organs, National Hospital Organization Tokyo Medical Center
Classification: other for Autosomal recessive nonsyndromic hearing loss 4. Last evaluated: 2019-08-20. Review status: no assertion criteria provided. Collection method: literature only, in vitro. Allele origin: germline. Inheritance: Autosomal recessive inheritance. Affected: yes. Functional consequence: functionally_normal.
Comment: Benign effect in vitro experiment

Literature cited by the submitters: PubMed 24989646; PubMed 31599023.

NM_000441.2(SLC26A4):c.919A>G (p.Thr307Ala)

Gene: SLC26A4 (solute carrier family 26 member 4; plus strand). Cytogenetic location: 7q22.3.
Variant type: single nucleotide variant.
Coding change: c.919A>G on transcript NM_000441.2 (MANE Select); coding-DNA position 919, A replaced by G.
Protein change: p.Thr307Ala; replaces threonine 307 with alanine.
Molecular consequence: missense variant.
Genome position (GRCh38, 1-based): chr7:107,683,455, A>G. VCF-style: chr7-107683455-A-G. GRCh37 (hg19) VCF-style: chr7-107323900-A-G.
Other names: short protein forms T307A.
Identifiers: ClinVar variation 691510 (VCV000691510.3), dbSNP rs1584317852, ClinGen allele CA368835575.
Genomic context (GRCh38, chr7:107,683,455, plus strand): 5'-TTGACAAACAAGGAATTATTAAAACCAATGGAGTTTTTAACATCTTTTGTTTTATTTCAG[A>G]CGATAATTGCTACTGCCATTTCATATGGAGCCAACCTGGAAAAAAATTACAATGCTGGCA-3'
Protein context (NP_000432.1, residues 297-317): PVPIPIEVIV[Thr307Ala]IIATAISYGA